The following is an entry in ClinVar:

NM_000551.4(VHL):c.599G>T (p.Arg200Leu)

Genes: VHL (von Hippel-Lindau tumor suppressor; plus strand), LOC107303340 (3p25 von Hippel-Lindau tumor suppressor, E3 ubiquitin protein ligase Alu-mediated recombination region; plus strand). Cytogenetic location: 3p25.3.
Variant type: single nucleotide variant.
Coding change: c.599G>T on transcript NM_000551.4 (MANE Select); coding-DNA position 599, G replaced by T.
Protein change: p.Arg200Leu; replaces arginine 200 with leucine.
Molecular consequence: missense variant. On other transcripts: 3 prime UTR variant (1).
Genome position (GRCh38, 1-based): chr3:10,149,922, G>T. VCF-style: chr3-10149922-G-T. GRCh37 (hg19) VCF-style: chr3-10191606-G-T.
Other names: c.476G>T, p.Arg159Leu (NM_198156.3); c.*153G>T (NM_001354723.2); short protein forms R200L, R159L.
Identifiers: ClinVar variation 840517 (VCV000840517.10), dbSNP rs754016774, ClinGen allele CA041814.

ClinVar aggregate classification (germline): Likely pathogenic (1 of 4 stars; one submission).

Conditions:
Chuvash polycythemia. Also called: POLYCYTHEMIA, VHL-DEPENDENT. Identifiers: Orphanet 238557, MedGen C1837915, MONDO:0009892, OMIM 263400.
Von Hippel-Lindau syndrome (VHLS). Also called: Von Hippel-Lindau; VHL syndrome; von Hippel–Lindau syndrome. Identifiers: Orphanet 892, MedGen C0019562, MONDO:0008667, OMIM 193300. Disease mechanism: loss of function.

Submission:

Labcorp Genetics (formerly Invitae), Labcorp
Classification: Likely pathogenic for Von Hippel-Lindau syndrome; Chuvash polycythemia. Last evaluated: 2023-03-23. Review status: criteria provided, single submitter. Criteria: Invitae Variant Classification Sherloc (09022015). Collection method: clinical testing. Allele origin: germline.
Comment: This sequence change replaces arginine, which is basic and polar, with leucine, which is neutral and non-polar, at codon 200 of the VHL protein (p.Arg200Leu). This variant is present in population databases (rs754016774, gnomAD 0.01%). This variant has not been reported in the literature in individuals affected with VHL-related conditions. ClinVar contains an entry for this variant (Variation ID: 840517). Advanced modeling of protein sequence and biophysical properties (such as structural, functional, and spatial information, amino acid conservation, physicochemical variation, residue mobility, and thermodynamic stability) performed at Invitae indicates that this missense variant is expected to disrupt VHL protein function. This variant disrupts the p.Arg200 amino acid residue in VHL. Other variant(s) that disrupt this residue have been determined to be pathogenic (PMID: 9058738, 11987242, 12415268, 19494350). This suggests that this residue is clinically significant, and that variants that disrupt this residue are likely to be disease-causing. In summary, the currently available evidence indicates that the variant is pathogenic, but additional data are needed to prove that conclusively. Therefore, this variant has been classified as Likely Pathogenic.

Literature cited by the submitters: PubMed 9058738; PubMed 11987242; PubMed 12415268; PubMed 19494350.